The following is an entry in ClinVar:

NM_019109.5(ALG1):c.457G>A (p.Val153Ile)

Gene: ALG1 (ALG1 chitobiosyldiphosphodolichol beta-mannosyltransferase; plus strand). Cytogenetic location: 16p13.3.
Variant type: single nucleotide variant.
Coding change: c.457G>A on transcript NM_019109.5 (MANE Select); coding-DNA position 457, G replaced by A.
Protein change: p.Val153Ile; replaces valine 153 with isoleucine.
Molecular consequence: missense variant.
Genome position (GRCh38, 1-based): chr16:5,075,454, G>A. VCF-style: chr16-5075454-G-A. GRCh37 (hg19) VCF-style: chr16-5125455-G-A.
Other names: c.124G>A, p.Val42Ile (NM_001330504.2); c.457G>A (NM_019109.4); short protein forms V153I, V42I.
Identifiers: ClinVar variation 1443662 (VCV001443662.6), dbSNP rs750216032, ClinGen allele CA7889836.
Genomic context (GRCh38, chr16:5,075,454, plus strand): 5'-CCAGGTCTGCCTAGCATTGCTGTCTGCTGGTTCGTGGGCTGCCTTTGTGGAAGCAAGCTC[G>A]TCATTGACTGGCACAACTATGGCTACTCCATCATGGGTCTGGTGCATGGCCCCAACCATC-3'
Protein context (NP_061982.3, residues 143-163): FVGCLCGSKL[Val153Ile]IDWHNYGYSI

ClinVar aggregate classification (germline): Uncertain significance. Review status: criteria provided, multiple submitters, no conflicts (2 of 4 stars). 4 submissions from 4 submitters: Uncertain significance (4). Last evaluated 2024-06-18.

Conditions:
Inborn genetic diseases. Identifiers: MedGen C0950123, MeSH D030342.
ALG1-congenital disorder of glycosylation. Also called: CONGENITAL DISORDER OF GLYCOSYLATION, TYPE Ik; CDG Ik; ALG1-CDG. Identifiers: Orphanet 79327, MedGen C2931005, MONDO:0012052, OMIM 608540.

Allele frequency attached by ClinVar (database versions not stated): ExAC 0.00002; gnomAD exomes 0.00002 and 0.00003; TOPMed 0.00005; gnomAD 0.00007 and 0.00008.

Submissions (4):

Fulgent Genetics
Classification: Uncertain significance for ALG1-congenital disorder of glycosylation. Last evaluated: 2024-06-18. Review status: criteria provided, single submitter. Criteria: ACMG Guidelines, 2015. Collection method: clinical testing. Allele origin: germline.

GeneDx
Classification: Uncertain significance. Last evaluated: 2024-05-31. Review status: criteria provided, single submitter. Criteria: GeneDx Variant Classification Process June 2021. Collection method: clinical testing. Allele origin: germline. Affected: yes.
Comment: Not observed at significant frequency in large population cohorts (gnomAD); In silico analysis indicates that this missense variant does not alter protein structure/function; Has not been previously published as pathogenic or benign to our knowledge

Labcorp Genetics (formerly Invitae), Labcorp
Classification: Uncertain significance for ALG1-congenital disorder of glycosylation. Last evaluated: 2022-06-04. Review status: criteria provided, single submitter. Criteria: Invitae Variant Classification Sherloc (09022015). Collection method: clinical testing. Allele origin: germline.
Comment: This sequence change replaces valine, which is neutral and non-polar, with isoleucine, which is neutral and non-polar, at codon 153 of the ALG1 protein (p.Val153Ile). This variant is present in population databases (rs750216032, gnomAD 0.005%). This variant has not been reported in the literature in individuals affected with ALG1-related conditions. ClinVar contains an entry for this variant (Variation ID: 1443662). Advanced modeling of protein sequence and biophysical properties (such as structural, functional, and spatial information, amino acid conservation, physicochemical variation, residue mobility, and thermodynamic stability) performed at Invitae indicates that this missense variant is not expected to disrupt ALG1 protein function. In summary, the available evidence is currently insufficient to determine the role of this variant in disease. Therefore, it has been classified as a Variant of Uncertain Significance.

Ambry Genetics
Classification: Uncertain significance for Inborn genetic diseases. Last evaluated: 2022-04-07. Review status: criteria provided, single submitter. Criteria: Ambry Variant Classification Scheme 2023. Collection method: clinical testing. Allele origin: germline.